The following is an entry in ClinVar:

ClinVar aggregate classification (germline): Likely benign (0 of 4 stars; one submission).

Conditions:
CFAP418-related disorder. Also called: CFAP418-related condition.

Submission:

PreventionGenetics, part of Exact Sciences
Classification: Likely benign for CFAP418-related condition. Last evaluated: 2021-08-11. Review status: no assertion criteria provided. Collection method: clinical testing. Allele origin: germline.
Comment: This variant is classified as likely benign based on ACMG/AMP sequence variant interpretation guidelines (Richards et al. 2015 PMID: 25741868, with internal and published modifications).

NM_177965.4(CFAP418):c.195T>C (p.Ser65=)

Gene: CFAP418 (cilia and flagella associated protein 418; minus strand). Cytogenetic location: 8q22.1.
Variant type: single nucleotide variant.
Coding change: c.195T>C on transcript NM_177965.4 (MANE Select); coding-DNA position 195, T replaced by C.
Protein change: p.Ser65=; no amino-acid change (serine 65 retained).
Molecular consequence: synonymous variant.
Genome position (GRCh38, 1-based): chr8:95,263,735, A>G on the plus strand (T>C on the coding strand, the complement: CFAP418 is on the minus strand). VCF-style: chr8-95263735-A-G. GRCh37 (hg19) VCF-style: chr8-96275963-A-G.
Other names: c.195T>C, p.Ser65= (NM_001363260.1).
Identifiers: ClinVar variation 3357098 (VCV003357098.1).
Genomic context (GRCh38, chr8:95,263,735, plus strand): 5'-CACTTGACTTACAGAGGGTTTTTTGTCCAAGTTGGGCTCTTCAAGTATTTCATTAATAAG[A>G]CTGTCAAGATCATCTTCTTTTTTAAATGTTTCTGTTGATCTGAAAAGAAGACATACACAA-3'
Protein context (NP_808880.1, residues 55-75): ETFKKEDDLD[Ser65=]LINEILEEPN